The following is an entry in ClinVar:

NM_021076.4(NEFH):c.1396G>A (p.Val466Met)

Gene: NEFH (neurofilament heavy chain; plus strand). Cytogenetic location: 22q12.2.
Variant type: single nucleotide variant.
Coding change: c.1396G>A on transcript NM_021076.4 (MANE Select); coding-DNA position 1396, G replaced by A.
Protein change: p.Val466Met; replaces valine 466 with methionine.
Molecular consequence: missense variant.
Genome position (GRCh38, 1-based): chr22:29,489,036, G>A. VCF-style: chr22-29489036-G-A. GRCh37 (hg19) VCF-style: chr22-29885025-G-A.
Other names: short protein forms V466M.
Identifiers: ClinVar variation 1390901 (VCV001390901.6), dbSNP rs2146399333, ClinGen allele CA411129755.
Genomic context (GRCh38, chr22:29,489,036, plus strand): 5'-GTGGTGGAGAAGTCTGAGAAAGAAACTGTGATTGTGGAGGAACAGACAGAGGAGACCCAA[G>A]TGACTGAAGAAGTGACTGAAGAAGAGGAGAAAGAGGCCAAAGAGGAGGAGGGCAAGGAGG-3'
Protein context (NP_066554.2, residues 456-476): IVEEQTEETQ[Val466Met]TEEVTEEEEK

ClinVar aggregate classification (germline): Uncertain significance (1 of 4 stars; one submission).

Submission:

Labcorp Genetics (formerly Invitae), Labcorp
Classification: Uncertain significance. Last evaluated: 2022-03-22. Review status: criteria provided, single submitter. Criteria: Invitae Variant Classification Sherloc (09022015). Collection method: clinical testing. Allele origin: germline.
Comment: In summary, the available evidence is currently insufficient to determine the role of this variant in disease. Therefore, it has been classified as a Variant of Uncertain Significance. Advanced modeling of protein sequence and biophysical properties (such as structural, functional, and spatial information, amino acid conservation, physicochemical variation, residue mobility, and thermodynamic stability) performed at Invitae indicates that this missense variant is not expected to disrupt NEFH protein function. This variant has not been reported in the literature in individuals affected with NEFH-related conditions. This variant is not present in population databases (gnomAD no frequency). This sequence change replaces valine, which is neutral and non-polar, with methionine, which is neutral and non-polar, at codon 466 of the NEFH protein (p.Val466Met).